The following is an entry in ClinVar:

NM_006904.7(PRKDC):c.8265+4T>C

Gene: PRKDC (protein kinase, DNA-activated, catalytic subunit; minus strand). Cytogenetic location: 8q11.21.
Variant type: single nucleotide variant.
Coding change: c.8265+4T>C on transcript NM_006904.7 (MANE Select); 4 bases into the intron after coding-DNA position 8265, T replaced by C.
Molecular consequence: intron variant.
Genome position (GRCh38, 1-based): chr8:47,831,810, A>G on the plus strand (T>C on the coding strand, the complement: PRKDC is on the minus strand). VCF-style: chr8-47831810-A-G. GRCh37 (hg19) VCF-style: chr8-48744371-A-G.
Other names: c.8265+4T>C (NM_001081640.2).
Identifiers: ClinVar variation 1439739 (VCV001439739.3), dbSNP rs777540769, ClinGen allele CA4739887.

ClinVar aggregate classification (germline): Uncertain significance (1 of 4 stars; one submission).

Conditions:
Severe combined immunodeficiency due to DNA-PKcs deficiency. Also called: IMMUNODEFICIENCY 26 WITH NEUROLOGIC ABNORMALITIES; Immunodeficiency 26 with or without neurologic abnormalities. Identifiers: Orphanet 317425, MedGen C4014833, MONDO:0014423, OMIM 615966.

Allele frequency attached by ClinVar (database versions not stated): gnomAD exomes below 0.00001 and 0.00004; ExAC 0.00001; gnomAD 0.00001; TOPMed 0.00002.
gnomAD v4.1: 58 of 1,613,250 alleles (0.0036%); highest among the groups gnomAD compares: Non-Finnish European, 0.0048%; no homozygotes.

Submission:

Labcorp Genetics (formerly Invitae), Labcorp
Classification: Uncertain significance for Severe combined immunodeficiency due to DNA-PKcs deficiency. Last evaluated: 2022-06-13. Review status: criteria provided, single submitter. Criteria: Invitae Variant Classification Sherloc (09022015). Collection method: clinical testing. Allele origin: germline.
Comment: This sequence change falls in intron 60 of the PRKDC gene. It does not directly change the encoded amino acid sequence of the PRKDC protein. It affects a nucleotide within the consensus splice site. This variant is present in population databases (rs777540769, gnomAD 0.002%). This variant has not been reported in the literature in individuals affected with PRKDC-related conditions. Variants that disrupt the consensus splice site are a relatively common cause of aberrant splicing (PMID: 17576681, 9536098). Algorithms developed to predict the effect of sequence changes on RNA splicing suggest that this variant is not likely to affect RNA splicing. In summary, the available evidence is currently insufficient to determine the role of this variant in disease. Therefore, it has been classified as a Variant of Uncertain Significance.

Literature cited by the submitters: PubMed 17576681; PubMed 9536098.